The following is an entry in ClinVar:

ClinVar aggregate classification (germline): Likely benign. Review status: criteria provided, multiple submitters, no conflicts (2 of 4 stars). 3 submissions from 3 submitters: Likely benign (3). Last evaluated 2025-10-26.

Conditions:
Ehlers-Danlos syndrome, type 4 (EDSVASC). Also called: Ehlers-Danlos Syndrome Type IV; Ehlers-Danlos syndrome vascular type; Ehlers Danlos syndrome, ecchymotic type; Ehlers Danlos syndrome, arterial type; Ehlers Danlos syndrome, Sack-Barabas type. Identifiers: Orphanet 286, MedGen C0268338, MONDO:0017314, OMIM 130050.
Familial thoracic aortic aneurysm and aortic dissection (TAAD). Also called: Thoracic aortic aneurysms and dissections. Identifiers: Orphanet 91387, MedGen C4707243, MONDO:0019625.

gnomAD v4.1: 14 of 1,613,320 alleles (0.00087%); highest among the groups gnomAD compares: African/African-American, 0.004%; no homozygotes.

Submissions (3):

Labcorp Genetics (formerly Invitae), Labcorp
Classification: Likely benign for Ehlers-Danlos syndrome, type 4. Last evaluated: 2025-10-26. Review status: criteria provided, single submitter. Criteria: Invitae Variant Classification Sherloc (09022015). Collection method: clinical testing. Allele origin: germline.

All of Us Research Program, National Institutes of Health
Classification: Likely benign for Ehlers-Danlos syndrome, type 4. Last evaluated: 2023-11-30. Review status: criteria provided, single submitter. Criteria: ACMG Guidelines, 2015. Collection method: clinical testing. Allele origin: germline. Inheritance: Autosomal dominant inheritance. Observed: 2 variant alleles, 2 heterozygotes.
Comment: This study involves interpretation of variants in research participants for the purpose of population health screening. Participant phenotype was not available at the time of variant classification. Additional details can be found in publication PMID: 35346344, PMCID: PMC8962531

Color Diagnostics, LLC DBA Color Health
Classification: Likely benign for Familial thoracic aortic aneurysm and aortic dissection. Last evaluated: 2022-06-06. Review status: criteria provided, single submitter. Criteria: ACMG Guidelines, 2015. Collection method: clinical testing. Allele origin: germline.

NM_000090.4(COL3A1):c.1656G>T (p.Gly552=)

Gene: COL3A1 (collagen type III alpha 1 chain; plus strand). Cytogenetic location: 2q32.2.
Variant type: single nucleotide variant.
Coding change: c.1656G>T on transcript NM_000090.4 (MANE Select); coding-DNA position 1656, G replaced by T.
Protein change: p.Gly552=; no amino-acid change (glycine 552 retained).
Molecular consequence: synonymous variant.
Genome position (GRCh38, 1-based): chr2:188,996,172, G>T. VCF-style: chr2-188996172-G-T. GRCh37 (hg19) VCF-style: chr2-189860898-G-T.
Identifiers: ClinVar variation 2775111 (VCV002775111.4), dbSNP rs1688305452, ClinGen allele CA430309795.